The following is an entry in ClinVar:

ClinVar aggregate classification (germline): Uncertain significance. Review status: criteria provided, multiple submitters, no conflicts (2 of 4 stars). 4 submissions from 4 submitters: Uncertain significance (4). Last evaluated 2024-04-08.

Conditions:
ATM-related disorder. Also called: ATM-related disorders; ATM-related condition.
Hereditary cancer-predisposing syndrome. Also called: Neoplastic Syndromes, Hereditary; Hereditary neoplastic syndrome; Tumor predisposition; Hereditary Cancer Syndrome. Identifiers: Orphanet 140162, MedGen C0027672, MeSH D009386, MONDO:0015356.
Ataxia-telangiectasia syndrome (AT). Also called: Ataxia telangiectasia (A-T); Cerebello-oculocutaneous telangiectasia; Immunodeficiency with ataxia telangiectasia; LOUIS-BAR SYNDROME; AT, COMPLEMENTATION GROUP C; ATAXIA-TELANGIECTASIA, FRESNO VARIANT. Identifiers: Orphanet 100, MedGen C0004135, MONDO:0008840, OMIM 208900.

Allele frequency attached by ClinVar (database versions not stated): TOPMed 0.00001.
gnomAD v4.1: 1 of 1,612,384 alleles (0.000062%); highest among the groups gnomAD compares: African/African-American, 0.0013%; no homozygotes.

Submissions (4):

Labcorp Genetics (formerly Invitae), Labcorp
Classification: Uncertain significance for Ataxia-telangiectasia syndrome. Last evaluated: 2024-04-08. Review status: criteria provided, single submitter. Criteria: Invitae Variant Classification Sherloc (09022015). Collection method: clinical testing. Allele origin: germline.
Comment: This sequence change replaces arginine, which is basic and polar, with leucine, which is neutral and non-polar, at codon 2719 of the ATM protein (p.Arg2719Leu). This variant is not present in population databases (gnomAD no frequency). This variant has not been reported in the literature in individuals affected with ATM-related conditions. ClinVar contains an entry for this variant (Variation ID: 216234). An algorithm developed to predict the effect of missense changes on protein structure and function (PolyPhen-2) suggests that this variant is likely to be disruptive. In summary, the available evidence is currently insufficient to determine the role of this variant in disease. Therefore, it has been classified as a Variant of Uncertain Significance.

Ambry Genetics
Classification: Uncertain significance for Hereditary cancer-predisposing syndrome. Last evaluated: 2023-11-22. Review status: criteria provided, single submitter. Criteria: Ambry Variant Classification Scheme 2023. Collection method: clinical testing. Allele origin: germline.
Comment: The p.R2719L variant (also known as c.8156G>T), located in coding exon 55 of the ATM gene, results from a G to T substitution at nucleotide position 8156. The arginine at codon 2719 is replaced by leucine, an amino acid with dissimilar properties. This amino acid position is well conserved in available vertebrate species. In addition, the in silico prediction for this alteration is inconclusive. Since supporting evidence is limited at this time, the clinical significance of this alteration remains unclear.

Color Diagnostics, LLC DBA Color Health
Classification: Uncertain significance for Hereditary cancer-predisposing syndrome. Last evaluated: 2022-12-21. Review status: criteria provided, single submitter. Criteria: ACMG Guidelines, 2015. Collection method: clinical testing. Allele origin: germline.
Comment: This missense variant replaces arginine with leucine at codon 2719 of the ATM protein. Computational prediction is inconclusive regarding the impact of this variant on protein structure and function (internally defined REVEL score threshold 0.5 < inconclusive < 0.7, PMID: 27666373). To our knowledge, functional studies have not been reported for this variant. This variant has been reported in a family affected by breast cancer (PMID: 27153395). This variant has not been identified in the general population by the Genome Aggregation Database (gnomAD). The available evidence is insufficient to determine the role of this variant in disease conclusively. Therefore, this variant is classified as a Variant of Uncertain Significance.

PreventionGenetics, part of Exact Sciences
Classification: Uncertain significance for ATM-related condition. Last evaluated: 2022-09-09. Review status: criteria provided, single submitter. Criteria: ACMG Guidelines, 2015. Collection method: clinical testing. Allele origin: germline.
Comment: The ATM c.8156G>T variant is predicted to result in the amino acid substitution p.Arg2719Leu. To our knowledge, this variant has not been reported in the literature or in a large population database, indicating this variant is rare. This variant is reported as a variant of uncertain significance in ClinVar. At this time, the clinical significance of this variant is uncertain due to the absence of conclusive functional and genetic evidence.

Literature cited by the submitters: PubMed 27153395 (cited by Color Diagnostics, LLC DBA Color Health).

NM_000051.4(ATM):c.8156G>T (p.Arg2719Leu)

Genes: ATM (ATM serine/threonine kinase; plus strand), C11orf65 (chromosome 11 open reading frame 65; minus strand). Cytogenetic location: 11q22.3.
Variant type: single nucleotide variant.
Coding change: c.8156G>T on transcript NM_000051.4 (MANE Select); coding-DNA position 8156, G replaced by T.
Protein change: p.Arg2719Leu; replaces arginine 2719 with leucine.
Molecular consequence: missense variant. On other transcripts: intron variant (2).
Genome position (GRCh38, 1-based): chr11:108,335,849, G>T. VCF-style: chr11-108335849-G-T. GRCh37 (hg19) VCF-style: chr11-108206576-G-T.
Other names: c.8156G>T, p.Arg2719Leu (NM_001351834.2); c.641-26778C>A (NM_001330368.2); c.695-557C>A (NM_001351110.2); short protein forms R2719L.
Identifiers: ClinVar variation 216234 (VCV000216234.14), dbSNP rs55982963, ClinGen allele CA336645.
Genomic context (GRCh38, chr11:108,335,849, plus strand): 5'-GTGTTTTTATAATAAAATAAACTGTACTTGTTTATTCATGCTTAATTATTCTGAAGGGCC[G>T]TGATGACCTGAGACAAGATGCTGTCATGCAACAGGTCTTCCAGATGTGTAATACATTACT-3'
Protein context (NP_000042.3, residues 2709-2729): GKERRQLVKG[Arg2719Leu]DDLRQDAVMQ